The following is an entry in ClinVar:

NM_031206.7(LAS1L):c.1855A>G (p.Thr619Ala)

Gene: LAS1L (LAS1 like ribosome biogenesis factor; minus strand). Cytogenetic location: Xq12.
Variant type: single nucleotide variant.
Coding change: c.1855A>G on transcript NM_031206.7 (MANE Select); coding-DNA position 1855, A replaced by G.
Protein change: p.Thr619Ala; replaces threonine 619 with alanine.
Molecular consequence: missense variant. On other transcripts: non-coding transcript variant (3).
Genome position (GRCh38, 1-based): chrX:65,518,059, T>C on the plus strand (A>G on the coding strand, the complement: LAS1L is on the minus strand). VCF-style: chrX-65518059-T-C. GRCh37 (hg19) VCF-style: chrX-64737939-T-C.
Other names: c.1804A>G, p.Thr602Ala (NM_001170649.2, NM_001375333.1); c.1678A>G, p.Thr560Ala (NM_001170650.2); c.1855A>G, p.Thr619Ala (NM_001375328.1); c.898A>G, p.Thr300Ala (NM_001375332.1); short protein forms T300A, T560A, T602A, T619A.
Identifiers: ClinVar variation 5018282 (VCV005018282.1).

ClinVar aggregate classification (germline): Uncertain significance (1 of 4 stars; one submission).

gnomAD v4.1: 1 of 1,211,995 alleles (0.000083%); highest among the groups gnomAD compares: East Asian, 0.003%; no homozygotes.

Submission:

GeneDx
Classification: Uncertain significance. Last evaluated: 2026-04-08. Review status: criteria provided, single submitter. Criteria: GeneDx Variant Classification Process June 2021. Collection method: clinical testing. Allele origin: germline.
Comment: Not observed at significant frequency in large population cohorts (gnomAD); In silico analysis suggests that this missense variant does not alter protein structure/function; Has not been previously published as pathogenic or benign to our knowledge